The following is an entry in ClinVar:

ClinVar aggregate classification (germline): Likely benign. Review status: criteria provided, multiple submitters, no conflicts (2 of 4 stars). 3 submissions from 3 submitters: Likely benign (3). Last evaluated 2026-03-01.

Allele frequency attached by ClinVar (database versions not stated): gnomAD exomes 0.00008 and 0.00011; ExAC 0.00028; gnomAD 0.00106 and 0.00117; 1000 Genomes Project 30x 0.00109; 1000 Genomes Project 0.00140.
gnomAD v4.1: 237 of 1,093,288 alleles (0.022%); highest among the groups gnomAD compares: African/African-American, 0.36%; no homozygotes.

Submissions (3):

CeGaT Center for Human Genetics Tuebingen
Classification: Likely benign. Last evaluated: 2026-03-01. Review status: criteria provided, single submitter. Criteria: CeGaT Center For Human Genetics Tuebingen Variant Classification Criteria Version 2. Collection method: clinical testing. Allele origin: germline. Affected: yes. Observed: 1 variant allele.
Comment: ZSWIM6: BP4, BP7

Labcorp Genetics (formerly Invitae), Labcorp
Classification: Likely benign. Last evaluated: 2025-04-07. Review status: criteria provided, single submitter. Criteria: Invitae Variant Classification Sherloc (09022015). Collection method: clinical testing. Allele origin: germline.

Blueprint Genetics
Classification: Likely benign. Last evaluated: 2024-11-12. Review status: criteria provided, single submitter. Criteria: ACMG Guidelines, 2015. Collection method: clinical testing. Allele origin: germline.

NM_020928.2(ZSWIM6):c.405C>T (p.Gly135=)

Gene: ZSWIM6 (zinc finger SWIM-type containing 6; plus strand). Cytogenetic location: 5q12.1.
Variant type: single nucleotide variant.
Coding change: c.405C>T on transcript NM_020928.2 (MANE Select); coding-DNA position 405, C replaced by T.
Protein change: p.Gly135=; no amino-acid change (glycine 135 retained).
Molecular consequence: synonymous variant.
Genome position (GRCh38, 1-based): chr5:61,332,677, C>T. VCF-style: chr5-61332677-C-T. GRCh37 (hg19) VCF-style: chr5-60628504-C-T.
Identifiers: ClinVar variation 1634465 (VCV001634465.13), dbSNP rs545400594, ClinGen allele CA3278299.